The following is an entry in ClinVar:

ClinVar aggregate classification (germline): Uncertain significance (1 of 4 stars; one submission).

Conditions:
Brugada syndrome 8 (BRGDA8). Identifiers: Orphanet 130, MedGen C2751083, MONDO:0013148, OMIM 613123.

gnomAD v4.1: 1 of 1,614,180 alleles (0.000062%); highest among the groups gnomAD compares: Non-Finnish European, 0.000085%; no homozygotes.

Submission:

Labcorp Genetics (formerly Invitae), Labcorp
Classification: Uncertain significance for Brugada syndrome 8. Last evaluated: 2025-03-19. Review status: criteria provided, single submitter. Criteria: Invitae Variant Classification Sherloc (09022015). Collection method: clinical testing. Allele origin: germline.
Comment: This sequence change replaces arginine, which is basic and polar, with proline, which is neutral and non-polar, at codon 372 of the HCN4 protein (p.Arg372Pro). This variant is not present in population databases (gnomAD no frequency). This variant has not been reported in the literature in individuals affected with HCN4-related conditions. Invitae Evidence Modeling of protein sequence and biophysical properties (such as structural, functional, and spatial information, amino acid conservation, physicochemical variation, residue mobility, and thermodynamic stability) indicates that this missense variant is expected to disrupt HCN4 protein function with a positive predictive value of 95%. In summary, the available evidence is currently insufficient to determine the role of this variant in disease. Therefore, it has been classified as a Variant of Uncertain Significance.

NM_005477.3(HCN4):c.1115G>C (p.Arg372Pro)

Genes: HCN4 (hyperpolarization activated cyclic nucleotide gated potassium channel 4; minus strand), LOC105370890 (uncharacterized LOC105370890; plus strand), LOC126862173 (CDK7 strongly-dependent group 2 enhancer GRCh37_chr15:73635762-73636961; plus strand). Cytogenetic location: 15q24.1.
Variant type: single nucleotide variant.
Coding change: c.1115G>C on transcript NM_005477.3 (MANE Select); coding-DNA position 1115, G replaced by C.
Protein change: p.Arg372Pro; replaces arginine 372 with proline.
Molecular consequence: missense variant. On other transcripts: non-coding transcript variant (1).
Genome position (GRCh38, 1-based): chr15:73,343,479, C>G on the plus strand (G>C on the coding strand, the complement: HCN4 is on the minus strand). VCF-style: chr15-73343479-C-G. GRCh37 (hg19) VCF-style: chr15-73635820-C-G.
Other names: short protein forms R372P.
Identifiers: ClinVar variation 3613297 (VCV003613297.2).